The following is an entry in ClinVar:

ClinVar aggregate classification (germline): Uncertain significance (1 of 4 stars; one submission).

Conditions:
Kabuki syndrome. Also called: Kabuki make-up syndrome; NIIKAWA-KUROKI SYNDROME. Identifiers: Orphanet 2322, MedGen C0796004, MONDO:0016512.

Submission:

Labcorp Genetics (formerly Invitae), Labcorp
Classification: Uncertain significance for Kabuki syndrome. Last evaluated: 2024-06-05. Review status: criteria provided, single submitter. Criteria: Invitae Variant Classification Sherloc (09022015). Collection method: clinical testing. Allele origin: germline.
Comment: This sequence change replaces lysine, which is basic and polar, with asparagine, which is neutral and polar, at codon 4841 of the KMT2D protein (p.Lys4841Asn). This variant is not present in population databases (gnomAD no frequency). This variant has not been reported in the literature in individuals affected with KMT2D-related conditions. Advanced modeling of protein sequence and biophysical properties (such as structural, functional, and spatial information, amino acid conservation, physicochemical variation, residue mobility, and thermodynamic stability) performed at Invitae indicates that this missense variant is not expected to disrupt KMT2D protein function with a negative predictive value of 95%. In summary, the available evidence is currently insufficient to determine the role of this variant in disease. Therefore, it has been classified as a Variant of Uncertain Significance.

NM_003482.4(KMT2D):c.14523G>C (p.Lys4841Asn)

Gene: KMT2D (lysine methyltransferase 2D; minus strand). Cytogenetic location: 12q13.12.
Variant type: single nucleotide variant.
Coding change: c.14523G>C on transcript NM_003482.4 (MANE Select); coding-DNA position 14523, G replaced by C.
Protein change: p.Lys4841Asn; replaces lysine 4841 with asparagine.
Molecular consequence: missense variant.
Genome position (GRCh38, 1-based): chr12:49,027,923, C>G on the plus strand (G>C on the coding strand, the complement: KMT2D is on the minus strand). VCF-style: chr12-49027923-C-G. GRCh37 (hg19) VCF-style: chr12-49421706-C-G.
Other names: short protein forms K4841N.
Identifiers: ClinVar variation 3633096 (VCV003633096.2).